The following is an entry in ClinVar:

ClinVar aggregate classification (germline): Uncertain significance. Review status: criteria provided, multiple submitters, no conflicts (2 of 4 stars). 2 submissions from 2 submitters: Uncertain significance (2). Last evaluated 2024-07-14.

Conditions:
Cardiovascular phenotype. Identifiers: MedGen CN230736.

Allele frequency attached by ClinVar (database versions not stated): TOPMed 0.00002; gnomAD exomes 0.00003; gnomAD 0.00004; ExAC 0.00009; 1000 Genomes Project 30x 0.00031; 1000 Genomes Project 0.00040.
gnomAD v4.1: 53 of 1,610,200 alleles (0.0033%); highest among the groups gnomAD compares: South Asian, 0.019%; no homozygotes.

Submissions (2):

Ambry Genetics
Classification: Uncertain significance for Cardiovascular phenotype. Last evaluated: 2024-07-14. Review status: criteria provided, single submitter. Criteria: Ambry Variant Classification Scheme 2023. Collection method: clinical testing. Allele origin: germline.

GeneDx
Classification: Uncertain significance. Last evaluated: 2024-07-08. Review status: criteria provided, single submitter. Criteria: GeneDx Variant Classification Process June 2021. Collection method: clinical testing. Allele origin: germline. Affected: yes.
Comment: Has not been previously published as pathogenic or benign to our knowledge; In silico analysis indicates that this missense variant does not alter protein structure/function

NM_001365276.2(TNXB):c.5359G>A (p.Val1787Met)

Gene: TNXB (tenascin XB; minus strand). Cytogenetic location: 6p21.33.
Variant type: single nucleotide variant.
Coding change: c.5359G>A on transcript NM_001365276.2 (MANE Select); coding-DNA position 5359, G replaced by A.
Protein change: p.Val1787Met; replaces valine 1787 with methionine.
Molecular consequence: missense variant.
Genome position (GRCh38, 1-based): chr6:32,069,781, C>T on the plus strand (G>A on the coding strand, the complement: TNXB is on the minus strand). VCF-style: chr6-32069781-C-T. GRCh37 (hg19) VCF-style: chr6-32037558-C-T.
Other names: c.5359G>A, p.Val1787Met (NM_019105.8); short protein forms V1787M.
Identifiers: ClinVar variation 3252917 (VCV003252917.2), dbSNP rs548921928.